The following is an entry in ClinVar:

ClinVar aggregate classification (germline): Uncertain significance. Review status: criteria provided, multiple submitters, no conflicts (2 of 4 stars). 3 submissions from 3 submitters: Uncertain significance (3). Last evaluated 2025-05-16.

Conditions:
Hereditary cancer-predisposing syndrome. Also called: Tumor predisposition; Neoplastic Syndromes, Hereditary; Hereditary neoplastic syndrome; Hereditary Cancer Syndrome. Identifiers: Orphanet 140162, MedGen C0027672, MeSH D009386, MONDO:0015356.
Familial cancer of breast. Also called: Hereditary breast cancer; BREAST CANCER, FAMILIAL; hereditary breast carcinoma. Identifiers: Orphanet 227535, MedGen C0346153, MONDO:0016419, OMIM 114480. Disease mechanism: loss of function.

Allele frequency attached by ClinVar (database versions not stated): TOPMed 0.00001.

Submissions (3):

Ambry Genetics
Classification: Uncertain significance for Hereditary cancer-predisposing syndrome. Last evaluated: 2025-05-16. Review status: criteria provided, single submitter. Criteria: Ambry Variant Classification Scheme 2023. Collection method: clinical testing. Allele origin: germline.
Comment: The p.K144N variant (also known as c.432A>T), located in coding exon 4 of the BARD1 gene, results from an A to T substitution at nucleotide position 432. The lysine at codon 144 is replaced by asparagine, an amino acid with similar properties. This amino acid position is highly conserved in available vertebrate species. In addition, this alteration is predicted to be tolerated by in silico analysis. Since supporting evidence is limited at this time, the clinical significance of this alteration remains unclear.

GeneDx
Classification: Uncertain significance. Last evaluated: 2024-10-25. Review status: criteria provided, single submitter. Criteria: GeneDx Variant Classification Process June 2021. Collection method: clinical testing. Allele origin: germline. Affected: yes.
Comment: Not observed at significant frequency in large population cohorts (gnomAD); In silico analysis indicates that this missense variant does not alter protein structure/function; In vitro functional analysis shows that the p.(K144N) variant damages protein function by negatively affecting fork protection and hydroxyurea sensitivity; however, additional studies are needed to confirm this finding (PMID: 31270457); This variant is associated with the following publications: (PMID: 31270457)

Labcorp Genetics (formerly Invitae), Labcorp
Classification: Uncertain significance for Familial cancer of breast. Last evaluated: 2024-10-01. Review status: criteria provided, single submitter. Criteria: Invitae Variant Classification Sherloc (09022015). Collection method: clinical testing. Allele origin: germline.
Comment: This sequence change replaces lysine, which is basic and polar, with asparagine, which is neutral and polar, at codon 144 of the BARD1 protein (p.Lys144Asn). This variant is not present in population databases (gnomAD no frequency). This variant has not been reported in the literature in individuals affected with BARD1-related conditions. ClinVar contains an entry for this variant (Variation ID: 1017274). An algorithm developed to predict the effect of missense changes on protein structure and function (PolyPhen-2) suggests that this variant is likely to be disruptive. In summary, the available evidence is currently insufficient to determine the role of this variant in disease. Therefore, it has been classified as a Variant of Uncertain Significance.

NM_000465.4(BARD1):c.432A>T (p.Lys144Asn)

Gene: BARD1 (BRCA1 associated RING domain 1; minus strand). Cytogenetic location: 2q35.
Variant type: single nucleotide variant.
Coding change: c.432A>T on transcript NM_000465.4 (MANE Select); coding-DNA position 432, A replaced by T.
Protein change: p.Lys144Asn; replaces lysine 144 with asparagine.
Molecular consequence: missense variant. On other transcripts: non-coding transcript variant (2), intron variant (3).
Genome position (GRCh38, 1-based): chr2:214,781,442, T>A on the plus strand (A>T on the coding strand, the complement: BARD1 is on the minus strand). VCF-style: chr2-214781442-T-A. GRCh37 (hg19) VCF-style: chr2-215646166-T-A.
Other names: c.375A>T, p.Lys125Asn (NM_001282543.2); c.158+27970A>T (NM_001282548.2); c.215+15619A>T (NM_001282545.2); c.364+10855A>T (NM_001282549.2); short protein forms K125N, K144N.
Identifiers: ClinVar variation 1017274 (VCV001017274.14), dbSNP rs1695029464, ClinGen allele CA350457817.